The following is an entry in ClinVar:

ClinVar aggregate classification (germline): Uncertain significance (1 of 4 stars; one submission).

Conditions:
Duchenne muscular dystrophy (DMD). Also called: MUSCULAR DYSTROPHY, PSEUDOHYPERTROPHIC PROGRESSIVE, DUCHENNE TYPE; Duchenne Muscular Dystrophy (DMD). Identifiers: Orphanet 98896, MedGen C0013264, MONDO:0010679, OMIM 310200.

Allele frequency attached by ClinVar (database versions not stated): gnomAD exomes below 0.00001; gnomAD 0.00001; TOPMed 0.00002.
gnomAD v4.1: 5 of 1,208,794 alleles (0.00041%); highest among the groups gnomAD compares: Non-Finnish European, 0.00056%; no homozygotes.

Submission:

Labcorp Genetics (formerly Invitae), Labcorp
Classification: Uncertain significance for Duchenne muscular dystrophy. Last evaluated: 2025-05-05. Review status: criteria provided, single submitter. Criteria: Invitae Variant Classification Sherloc (09022015). Collection method: clinical testing. Allele origin: germline.
Comment: This sequence change replaces leucine, which is neutral and non-polar, with glutamine, which is neutral and polar, at codon 1656 of the DMD protein (p.Leu1656Gln). This variant is not present in population databases (gnomAD no frequency). This variant has not been reported in the literature in individuals affected with DMD-related conditions. ClinVar contains an entry for this variant (Variation ID: 2084438). Invitae Evidence Modeling of protein sequence and biophysical properties (such as structural, functional, and spatial information, amino acid conservation, physicochemical variation, residue mobility, and thermodynamic stability) indicates that this missense variant is not expected to disrupt DMD protein function with a negative predictive value of 95%. In summary, the available evidence is currently insufficient to determine the role of this variant in disease. Therefore, it has been classified as a Variant of Uncertain Significance.

NM_004006.3(DMD):c.4967T>A (p.Leu1656Gln)

Gene: DMD (dystrophin; minus strand). Cytogenetic location: Xp21.1.
Variant type: single nucleotide variant.
Coding change: c.4967T>A on transcript NM_004006.3 (MANE Select); coding-DNA position 4967, T replaced by A.
Protein change: p.Leu1656Gln; replaces leucine 1656 with glutamine.
Molecular consequence: missense variant.
Genome position (GRCh38, 1-based): chrX:32,365,078, A>T on the plus strand (T>A on the coding strand, the complement: DMD is on the minus strand). VCF-style: chrX-32365078-A-T. GRCh37 (hg19) VCF-style: chrX-32383195-A-T.
Other names: c.4943T>A, p.Leu1648Gln (NM_000109.4); c.4955T>A, p.Leu1652Gln (NM_004009.3); c.4598T>A, p.Leu1533Gln (NM_004010.3); c.944T>A, p.Leu315Gln (NM_004011.4); c.935T>A, p.Leu312Gln (NM_004012.4); short protein forms L315Q, L1533Q, L1648Q, L312Q, L1652Q, L1656Q.
Identifiers: ClinVar variation 2084438 (VCV002084438.3), dbSNP rs1239016104, ClinGen allele CA412671968.
Genomic context (GRCh38, chrX:32,365,078, plus strand): 5'-ACCAACAAAAGATTTAACCACTCTTCTGCTCGGGAGGTGACAGCTATCCAGTTACTATTC[A>T]GAAGACTGAGTTTATCTTCCACCAACGTCTCCTTCTTGCCCAAAACTGTTTTCAAGGCCT-3'
Protein context (NP_003997.2, residues 1646-1666): ETLVEDKLSL[Leu1656Gln]NSNWIAVTSR